The following is an entry in ClinVar:

NM_030957.4(ADAMTS10):c.772C>T (p.Arg258Trp)

Gene: ADAMTS10 (ADAM metallopeptidase with thrombospondin type 1 motif 10; minus strand). Cytogenetic location: 19p13.2.
Variant type: single nucleotide variant.
Coding change: c.772C>T on transcript NM_030957.4 (MANE Select); coding-DNA position 772, C replaced by T.
Protein change: p.Arg258Trp; replaces arginine 258 with tryptophan.
Molecular consequence: missense variant.
Genome position (GRCh38, 1-based): chr19:8,600,966, G>A on the plus strand (C>T on the coding strand, the complement: ADAMTS10 is on the minus strand). VCF-style: chr19-8600966-G-A. GRCh37 (hg19) VCF-style: chr19-8665850-G-A.
Other names: short protein forms R258W.
Identifiers: ClinVar variation 1986347 (VCV001986347.2), dbSNP rs782550135, ClinGen allele CA9160738.
Genomic context (GRCh38, chr19:8,600,966, plus strand): 5'-CCAGGGAGGGGAAGGCACTTACAATGTTCATGATGGCCAGGACATACTGCTCCACATCCC[G>A]GCGCCCGTGATAGGCCACCATCATCTTGTCAGCCACCACCAGGGTCTCCACGTAGCGCTC-3'
Protein context (NP_112219.3, residues 248-268): DKMMVAYHGR[Arg258Trp]DVEQYVLAIM

ClinVar aggregate classification (germline): Uncertain significance (1 of 4 stars; one submission).

Allele frequency attached by ClinVar (database versions not stated): gnomAD exomes below 0.00001; ExAC 0.00001.
gnomAD v4.1: 3 of 1,614,104 alleles (0.00019%); highest among the groups gnomAD compares: South Asian, 0.0011%; no homozygotes.

Submission:

Labcorp Genetics (formerly Invitae), Labcorp
Classification: Uncertain significance. Last evaluated: 2025-05-05. Review status: criteria provided, single submitter. Criteria: Invitae Variant Classification Sherloc (09022015). Collection method: clinical testing. Allele origin: germline.
Comment: This sequence change replaces arginine, which is basic and polar, with tryptophan, which is neutral and slightly polar, at codon 258 of the ADAMTS10 protein (p.Arg258Trp). This variant is present in population databases (rs782550135, gnomAD 0.002%). This variant has not been reported in the literature in individuals affected with ADAMTS10-related conditions. ClinVar contains an entry for this variant (Variation ID: 1986347). An algorithm developed to predict the effect of missense changes on protein structure and function (PolyPhen-2) suggests that this variant is likely to be disruptive. In summary, the available evidence is currently insufficient to determine the role of this variant in disease. Therefore, it has been classified as a Variant of Uncertain Significance.